The following is an entry in ClinVar:

NM_005228.5(EGFR):c.2847G>A (p.Lys949=)

Gene: EGFR (epidermal growth factor receptor; plus strand). Cytogenetic location: 7p11.2.
Variant type: single nucleotide variant.
Coding change: c.2847G>A on transcript NM_005228.5 (MANE Select); coding-DNA position 2847, G replaced by A.
Protein change: p.Lys949=; no amino-acid change (lysine 949 retained).
Molecular consequence: synonymous variant.
Genome position (GRCh38, 1-based): chr7:55,198,862, G>A. VCF-style: chr7-55198862-G-A. GRCh37 (hg19) VCF-style: chr7-55266555-G-A.
Other names: c.2712G>A, p.Lys904= (NM_001346897.2, NM_001346899.2); c.2847G>A, p.Lys949= (NM_001346898.2); c.2688G>A, p.Lys896= (NM_001346900.2); c.2046G>A, p.Lys682= (NM_001346941.2).
Identifiers: ClinVar variation 1389521 (VCV001389521.6), dbSNP rs1787731529, ClinGen allele CA454967341.

ClinVar aggregate classification (germline): Uncertain significance (1 of 4 stars; one submission).

Conditions:
EGFR-related lung cancer (EGFR). Identifiers: MedGen CN130014.

Allele frequency attached by ClinVar (database versions not stated): gnomAD exomes below 0.00001.
gnomAD v4.1: 1 of 1,614,142 alleles (0.000062%); highest among the groups gnomAD compares: Non-Finnish European, 0.000085%; no homozygotes.

Submission:

Labcorp Genetics (formerly Invitae), Labcorp
Classification: Uncertain significance for EGFR-related lung cancer. Last evaluated: 2021-10-27. Review status: criteria provided, single submitter. Criteria: Invitae Variant Classification Sherloc (09022015). Collection method: clinical testing. Allele origin: germline.
Comment: In summary, the available evidence is currently insufficient to determine the role of this variant in disease. Therefore, it has been classified as a Variant of Uncertain Significance. Algorithms developed to predict the effect of sequence changes on RNA splicing suggest that this variant is not likely to affect RNA splicing. This variant has not been reported in the literature in individuals affected with EGFR-related conditions. This sequence change affects codon 949 of the EGFR mRNA. It is a 'silent' change, meaning that it does not change the encoded amino acid sequence of the EGFR protein. It affects a nucleotide within the consensus splice site. This variant is not present in population databases (gnomAD no frequency).